The following is an entry in ClinVar:

NM_000373.4(UMPS):c.112A>C (p.Ile38Leu)

Gene: UMPS (uridine monophosphate synthetase; plus strand). Cytogenetic location: 3q21.2.
Variant type: single nucleotide variant.
Coding change: c.112A>C on transcript NM_000373.4 (MANE Select); coding-DNA position 112, A replaced by C.
Protein change: p.Ile38Leu; replaces isoleucine 38 with leucine.
Molecular consequence: missense variant. On other transcripts: non-coding transcript variant (2).
Genome position (GRCh38, 1-based): chr3:124,730,583, A>C. VCF-style: chr3-124730583-A-C. GRCh37 (hg19) VCF-style: chr3-124449430-A-C.
Other names: short protein forms I38L.
Identifiers: ClinVar variation 3642085 (VCV003642085.2).

ClinVar aggregate classification (germline): Uncertain significance (1 of 4 stars; one submission).

Conditions:
Hereditary orotic aciduria, type 1. Also called: Orotic aciduria type 1; Oroticaciduria 1. Identifiers: MedGen C0268130.

gnomAD v4.1: 1 of 1,613,228 alleles (0.000062%); highest among the groups gnomAD compares: Non-Finnish European, 0.000085%; no homozygotes.

Submission:

Labcorp Genetics (formerly Invitae), Labcorp
Classification: Uncertain significance for Hereditary orotic aciduria, type 1. Last evaluated: 2024-10-08. Review status: criteria provided, single submitter. Criteria: Invitae Variant Classification Sherloc (09022015). Collection method: clinical testing. Allele origin: germline.
Comment: This sequence change replaces isoleucine, which is neutral and non-polar, with leucine, which is neutral and non-polar, at codon 38 of the UMPS protein (p.Ile38Leu). This variant is not present in population databases (gnomAD no frequency). This variant has not been reported in the literature in individuals affected with UMPS-related conditions. Invitae Evidence Modeling of protein sequence and biophysical properties (such as structural, functional, and spatial information, amino acid conservation, physicochemical variation, residue mobility, and thermodynamic stability) indicates that this missense variant is not expected to disrupt UMPS protein function with a negative predictive value of 80%. In summary, the available evidence is currently insufficient to determine the role of this variant in disease. Therefore, it has been classified as a Variant of Uncertain Significance.